The following is an entry in ClinVar:

ClinVar aggregate classification (germline): Pathogenic (1 of 4 stars; one submission).

Submission:

Labcorp Genetics (formerly Invitae), Labcorp
Classification: Pathogenic. Last evaluated: 2023-02-03. Review status: criteria provided, single submitter. Criteria: Invitae Variant Classification Sherloc (09022015). Collection method: clinical testing. Allele origin: germline.
Comment: For these reasons, this variant has been classified as Pathogenic. This variant has not been reported in the literature in individuals affected with LRP5-related conditions. This variant is not present in population databases (gnomAD no frequency). This sequence change creates a premature translational stop signal (p.Arg1002Alafs*136) in the LRP5 gene. It is expected to result in an absent or disrupted protein product. Loss-of-function variants in LRP5 are known to be pathogenic (PMID: 11719191, 16252235, 25711638).

Literature cited by the submitters: PubMed 11719191; PubMed 16252235; PubMed 25711638.

NM_002335.4(LRP5):c.3002dup (p.Arg1002fs)

Gene: LRP5 (LDL receptor related protein 5; plus strand). Cytogenetic location: 11q13.2.
Variant type: Duplication.
Coding change: c.3002dup on transcript NM_002335.4 (MANE Select); coding-DNA position 3002, one base duplicated (A; older notation c.3002dupA).
Protein change: p.Arg1002fs; shifts the reading frame from arginine 1002.
Molecular consequence: frameshift variant.
Genome position (GRCh38, 1-based): chr11:68,416,502, A duplicated; the last of 2 consecutive A bases (chr11:68,416,501-68,416,502); duplicating either gives the same sequence. VCF-style (leftmost placement, unchanged base first): chr11-68416500-C-CA. GRCh37 (hg19) VCF-style: chr11-68183968-C-CA.
Other names: c.1259dup, p.Arg421fs (NM_001291902.2); short protein forms R421fs, R1002fs.
Identifiers: ClinVar variation 2017592 (VCV002017592.4), dbSNP rs2496776670, ClinGen allele CA2580084738.